The following is an entry in ClinVar:

ClinVar aggregate classification (germline): Uncertain significance (1 of 4 stars; one submission).

Conditions:
Cardiomyopathy (CMYO). Also called: Cardiomyopathies. Identifiers: Orphanet 167848, MedGen C0878544, MONDO:0004994, HP:0001638. Inheritance: Various modes of inheritance.

Submission:

Color Diagnostics, LLC DBA Color Health
Classification: Uncertain significance for Cardiomyopathy. Last evaluated: 2025-07-02. Review status: criteria provided, single submitter. Criteria: ACMG Guidelines, 2015. Collection method: clinical testing. Allele origin: germline.
Comment: This variant changes 1 nucleotide in exon 8 of the DSC2 gene, creating a premature translation stop signal. This variant is expected to result in an absent or non-functional protein product. To our knowledge, this variant has not been reported in individuals affected with DSC2-related disorders in the literature. This variant has not been identified in the general population by the Genome Aggregation Database (gnomAD). Clinical relevance of loss-of-function DSC2 truncation variants in autosomal dominant cardiovascular disorders is not clearly established. The available evidence is insufficient to determine the role of this variant in disease conclusively. Therefore, this variant is classified as a Variant of Uncertain Significance.

NM_024422.6(DSC2):c.1006C>T (p.Gln336Ter)

Gene: DSC2 (desmocollin 2; minus strand). Cytogenetic location: 18q12.1.
Variant type: single nucleotide variant.
Coding change: c.1006C>T on transcript NM_024422.6 (MANE Select); coding-DNA position 1006, C replaced by T.
Protein change: p.Gln336Ter; replaces glutamine 336 with a stop codon.
Molecular consequence: nonsense.
Genome position (GRCh38, 1-based): chr18:31,082,997, G>A on the plus strand (C>T on the coding strand, the complement: DSC2 is on the minus strand). VCF-style: chr18-31082997-G-A. GRCh37 (hg19) VCF-style: chr18-28662963-G-A.
Other names: c.577C>T, p.Gln193Ter (NM_001406506.1, NM_001406507.1); c.1006C>T, p.Gln336Ter (NM_004949.5); short protein forms Q193*, Q336*.
Identifiers: ClinVar variation 4757463 (VCV004757463.1).